The following is an entry in ClinVar:

NM_018993.4(RIN2):c.1344G>C (p.Met448Ile)

Gene: RIN2 (Ras and Rab interactor 2; plus strand). Cytogenetic location: 20p11.23.
Variant type: single nucleotide variant.
Coding change: c.1344G>C on transcript NM_018993.4 (MANE Select); coding-DNA position 1344, G replaced by C.
Protein change: p.Met448Ile; replaces methionine 448 with isoleucine.
Molecular consequence: missense variant.
Genome position (GRCh38, 1-based): chr20:19,975,369, G>C. VCF-style: chr20-19975369-G-C. GRCh37 (hg19) VCF-style: chr20-19956013-G-C.
Other names: c.1491G>C, p.Met497Ile (NM_001242581.2); c.726G>C, p.Met242Ile (NM_001378238.1); short protein forms M448I, M497I, M242I.
Identifiers: ClinVar variation 624191 (VCV000624191.50), dbSNP rs781480608, ClinGen allele CA9780068.

ClinVar aggregate classification (germline): Uncertain significance. Review status: criteria provided, multiple submitters, no conflicts (2 of 4 stars). 4 submissions from 4 submitters: Uncertain significance (4). Last evaluated 2025-09-22.

Conditions:
Inborn genetic diseases. Identifiers: MedGen C0950123, MeSH D030342.

Allele frequency attached by ClinVar (database versions not stated): gnomAD 0.00003 and 0.00004; TOPMed 0.00004.
gnomAD v4.1: 95 of 1,613,814 alleles (0.0059%); highest among the groups gnomAD compares: Middle Eastern, 0.016%; 2 homozygotes.

Submissions (4):

Ambry Genetics
Classification: Uncertain significance for Inborn genetic diseases. Last evaluated: 2025-09-22. Review status: criteria provided, single submitter. Criteria: Ambry Variant Classification Scheme 2023. Collection method: clinical testing. Allele origin: germline.

Labcorp Genetics (formerly Invitae), Labcorp
Classification: Uncertain significance. Last evaluated: 2022-09-16. Review status: criteria provided, single submitter. Criteria: Invitae Variant Classification Sherloc (09022015). Collection method: clinical testing. Allele origin: germline.
Comment: This sequence change replaces methionine, which is neutral and non-polar, with isoleucine, which is neutral and non-polar, at codon 448 of the RIN2 protein (p.Met448Ile). This variant is present in population databases (rs781480608, gnomAD 0.02%). This variant has not been reported in the literature in individuals affected with RIN2-related conditions. ClinVar contains an entry for this variant (Variation ID: 624191). Algorithms developed to predict the effect of missense changes on protein structure and function are either unavailable or do not agree on the potential impact of this missense change (SIFT: "Tolerated"; PolyPhen-2: "Not Available"; Align-GVGD: "Class C0"). In summary, the available evidence is currently insufficient to determine the role of this variant in disease. Therefore, it has been classified as a Variant of Uncertain Significance.

GeneDx
Classification: Uncertain significance. Last evaluated: 2021-11-30. Review status: criteria provided, single submitter. Criteria: GeneDx Variant Classification Process June 2021. Collection method: clinical testing. Allele origin: germline. Affected: yes.
Comment: Has not been previously published as pathogenic or benign to our knowledge; In silico analysis supports that this missense variant does not alter protein structure/function; This variant is associated with the following publications: (PMID: 26582918)

CeGaT Center for Human Genetics Tuebingen
Classification: Uncertain significance. Last evaluated: 2018-07-01. Review status: criteria provided, single submitter. Criteria: CeGaT Center For Human Genetics Tuebingen Variant Classification Criteria Version 2. Collection method: clinical testing. Allele origin: germline. Affected: yes. Observed: 1 variant allele.